The following is an entry in ClinVar:

NM_003640.5(ELP1):c.1399G>C (p.Ala467Pro)

Gene: ELP1 (elongator acetyltransferase complex subunit 1; minus strand). Cytogenetic location: 9q31.3.
Variant type: single nucleotide variant.
Coding change: c.1399G>C on transcript NM_003640.5 (MANE Select); coding-DNA position 1399, G replaced by C.
Protein change: p.Ala467Pro; replaces alanine 467 with proline.
Molecular consequence: missense variant.
Genome position (GRCh38, 1-based): chr9:108,908,366, C>G on the plus strand (G>C on the coding strand, the complement: ELP1 is on the minus strand). VCF-style: chr9-108908366-C-G. GRCh37 (hg19) VCF-style: chr9-111670646-C-G.
Other names: c.1057G>C, p.Ala353Pro (NM_001318360.2); c.352G>C, p.Ala118Pro (NM_001330749.2); short protein forms A118P, A353P, A467P.
Identifiers: ClinVar variation 1800187 (VCV001800187.2), dbSNP rs1269246218, ClinGen allele CA374428468.

ClinVar aggregate classification (germline): Uncertain significance (1 of 4 stars; one submission).

Allele frequency attached by ClinVar (database versions not stated): gnomAD exomes below 0.00001; gnomAD 0.00001; TOPMed 0.00001.
gnomAD v4.1: 3 of 1,614,050 alleles (0.00019%); highest among the groups gnomAD compares: Non-Finnish European, 0.00025%; no homozygotes.

Submission:

Ambry Genetics
Classification: Uncertain significance. Last evaluated: 2020-10-19. Review status: criteria provided, single submitter. Criteria: Ambry Variant Classification Scheme 2023. Collection method: clinical testing. Allele origin: germline.
Comment: The p.A467P variant (also known as c.1399G>C), located in coding exon 12 of the IKBKAP gene, results from a G to C substitution at nucleotide position 1399. The alanine at codon 467 is replaced by proline, an amino acid with highly similar properties. This amino acid position is highly conserved in available vertebrate species. In addition, the in silico prediction for this alteration is inconclusive. Since supporting evidence is limited at this time, the clinical significance of this alteration remains unclear.